The following is an entry in ClinVar:

ClinVar aggregate classification (germline): Likely pathogenic (1 of 4 stars; one submission).

Conditions:
Autosomal recessive limb-girdle muscular dystrophy type 2J (LGMDR10). Also called: Limb-girdle muscular dystrophy, type 2J; MUSCULAR DYSTROPHY, LIMB-GIRDLE, AUTOSOMAL RECESSIVE 10. Identifiers: Orphanet 140922, MedGen C1837342, MONDO:0012127, OMIM 608807.
Dilated cardiomyopathy 1G (CMD1G). Identifiers: Orphanet 154, MedGen C1858763, MONDO:0011400, OMIM 604145.

Submission:

Labcorp Genetics (formerly Invitae), Labcorp
Classification: Likely pathogenic for Dilated cardiomyopathy 1G; Autosomal recessive limb-girdle muscular dystrophy type 2J. Last evaluated: 2023-11-27. Review status: criteria provided, single submitter. Criteria: Invitae Variant Classification Sherloc (09022015). Collection method: clinical testing. Allele origin: germline.
Comment: This sequence change creates a premature translational stop signal (p.Lys18286*) in the TTN gene. While this is not anticipated to result in nonsense mediated decay, it is expected to create a truncated TTN protein. This variant is not present in population databases (gnomAD no frequency). This variant has not been reported in the literature in individuals affected with TTN-related conditions. This variant is located in the A band of TTN (PMID: 25589632). Truncating variants in this region are significantly overrepresented in patients affected with dilated cardiomyopathy (PMID: 25589632). Truncating variants in this region have also been reported in individuals affected with autosomal recessive centronuclear myopathy (PMID: 23975875). In summary, the currently available evidence indicates that the variant is pathogenic, but additional data are needed to prove that conclusively. Therefore, this variant has been classified as Likely Pathogenic.

Literature cited by the submitters: PubMed 25589632; PubMed 23975875.

NM_001267550.2(TTN):c.54856A>T (p.Lys18286Ter)

Genes: TTN-AS1 (TTN antisense RNA 1; plus strand), TTN (titin; minus strand). Cytogenetic location: 2q31.2.
Variant type: single nucleotide variant.
Coding change: c.54856A>T on transcript NM_001267550.2 (MANE Select); coding-DNA position 54856, A replaced by T.
Protein change: p.Lys18286Ter; replaces lysine 18286 with a stop codon.
Molecular consequence: nonsense.
Genome position (GRCh38, 1-based): chr2:178,602,546, T>A on the plus strand (A>T on the coding strand, the complement: TTN is on the minus strand). VCF-style: chr2-178602546-T-A. GRCh37 (hg19) VCF-style: chr2-179467273-T-A.
Other names: c.49933A>T, p.Lys16645Ter (NM_001256850.1); c.27661A>T, p.Lys9221Ter (NM_003319.4); c.47152A>T, p.Lys15718Ter (NM_133378.4); c.28036A>T, p.Lys9346Ter (NM_133432.3); c.28237A>T, p.Lys9413Ter (NM_133437.4); short protein forms K18286*, K9221*, K16645*, K9346*, K9413*, K15718*.
Identifiers: ClinVar variation 2954252 (VCV002954252.3), dbSNP rs2470053759, ClinGen allele CA349547007.